The following is an entry in ClinVar:

NM_020937.4(FANCM):c.2546A>T (p.Lys849Ile)

Gene: FANCM (FA complementation group M; plus strand). Cytogenetic location: 14q21.2.
Variant type: single nucleotide variant.
Coding change: c.2546A>T on transcript NM_020937.4 (MANE Select); coding-DNA position 2546, A replaced by T.
Protein change: p.Lys849Ile; replaces lysine 849 with isoleucine.
Molecular consequence: missense variant.
Genome position (GRCh38, 1-based): chr14:45,175,300, A>T. VCF-style: chr14-45175300-A-T. GRCh37 (hg19) VCF-style: chr14-45644503-A-T.
Other names: c.2468A>T, p.Lys823Ile (NM_001308133.2); short protein forms K823I, K849I.
Identifiers: ClinVar variation 3848632 (VCV003848632.1).

ClinVar aggregate classification (germline): Uncertain significance (1 of 4 stars; one submission).

Conditions:
Inborn genetic diseases. Identifiers: MedGen C0950123, MeSH D030342.

gnomAD v4.1: 1 of 1,575,460 alleles (0.000063%); highest among the groups gnomAD compares: Non-Finnish European, 0.000086%; no homozygotes.

Submission:

Ambry Genetics
Classification: Uncertain significance for Inborn genetic diseases. Last evaluated: 2025-01-15. Review status: criteria provided, single submitter. Criteria: Ambry Variant Classification Scheme 2023. Collection method: clinical testing. Allele origin: germline.
Comment: The p.K849I variant (also known as c.2546A>T), located in coding exon 14 of the FANCM gene, results from an A to T substitution at nucleotide position 2546. The lysine at codon 849 is replaced by isoleucine, an amino acid with dissimilar properties. This amino acid position is conserved. In addition, this alteration is predicted to be tolerated by in silico analysis. Based on the available evidence, the clinical significance of this variant remains unclear.